The following is an entry in ClinVar:

NM_000161.3(GCH1):c.137G>A (p.Ser46Asn)

Gene: GCH1 (GTP cyclohydrolase 1; minus strand). Cytogenetic location: 14q22.2.
Variant type: single nucleotide variant.
Coding change: c.137G>A on transcript NM_000161.3 (MANE Select); coding-DNA position 137, G replaced by A.
Protein change: p.Ser46Asn; replaces serine 46 with asparagine.
Molecular consequence: missense variant.
Genome position (GRCh38, 1-based): chr14:54,902,527, C>T on the plus strand (G>A on the coding strand, the complement: GCH1 is on the minus strand). VCF-style: chr14-54902527-C-T. GRCh37 (hg19) VCF-style: chr14-55369245-C-T.
Other names: c.137G>A, p.Ser46Asn (NM_001024024.2, NM_001024070.2, NM_001024071.2); short protein forms S46N.
Identifiers: ClinVar variation 2118236 (VCV002118236.4), dbSNP rs2504540653, ClinGen allele CA389794201.

ClinVar aggregate classification (germline): Uncertain significance (1 of 4 stars; one submission).

Conditions:
GTP cyclohydrolase I deficiency. Identifiers: MedGen C0268467, MONDO:0100184.
Dystonia 5 (DRD). Also called: Dystonia, DOPA-responsive, with or without hyperphenylalaninemia; DYT-GCH1; DYSTONIA, PROGRESSIVE, WITH DIURNAL VARIATION; DYSTONIA-PARKINSONISM WITH DIURNAL FLUCTUATION; GTP Cyclohydrolase 1-Deficient Dopa-Responsive Dystonia. Identifiers: Orphanet 98808, MedGen C1851920, MONDO:0007495, OMIM 128230.

Allele frequency attached by ClinVar (database versions not stated): gnomAD exomes below 0.00001.
gnomAD v4.1: 1 of 1,583,102 alleles (0.000063%); highest among the groups gnomAD compares: Non-Finnish European, 0.000086%; no homozygotes.

Submission:

Labcorp Genetics (formerly Invitae), Labcorp
Classification: Uncertain significance for GTP cyclohydrolase I deficiency; Dystonia 5. Last evaluated: 2022-03-27. Review status: criteria provided, single submitter. Criteria: Invitae Variant Classification Sherloc (09022015). Collection method: clinical testing. Allele origin: germline.
Comment: This sequence change replaces serine, which is neutral and polar, with asparagine, which is neutral and polar, at codon 46 of the GCH1 protein (p.Ser46Asn). In summary, the available evidence is currently insufficient to determine the role of this variant in disease. Therefore, it has been classified as a Variant of Uncertain Significance. Advanced modeling of protein sequence and biophysical properties (such as structural, functional, and spatial information, amino acid conservation, physicochemical variation, residue mobility, and thermodynamic stability) performed at Invitae indicates that this missense variant is not expected to disrupt GCH1 protein function. This variant has not been reported in the literature in individuals affected with GCH1-related conditions. This variant is not present in population databases (gnomAD no frequency).